The following is an entry in ClinVar:

NM_001184880.2(PCDH19):c.21_39del (p.Val8fs)

Gene: PCDH19 (protocadherin 19; minus strand). Cytogenetic location: Xq22.1.
Variant type: Deletion.
Coding change: c.21_39del on transcript NM_001184880.2 (MANE Select); coding-DNA positions 21 to 39, 19 bases deleted (GGTGCTGCTGCTGCTGGCC).
Protein change: p.Val8fs; shifts the reading frame from valine 8.
Molecular consequence: frameshift variant.
Genome position (GRCh38, 1-based): chrX:100,408,559-100,408,577, GGCCAGCAGCAGCAGCACC deleted on the plus strand (GGTGCTGCTGCTGCTGGCC on the coding strand, the reverse complement: PCDH19 is on the minus strand); deleting any 19 consecutive bases within chrX:100,408,559-100,408,580 gives the same sequence; the c. name uses the placement nearest the transcript's 3' end. VCF-style (leftmost placement, unchanged base first): chrX-100408558-TGGCCAGCAGCAGCAGCACC-T. GRCh37 (hg19) VCF-style: chrX-99663556-TGGCCAGCAGCAGCAGCACC-T.
Other names: c.21_39delGGTGCTGCTGCTGCTGGCC (NM_001184880.1); c.21_39del, p.Val8fs (NM_001105243.2, NM_020766.3); short protein forms V8fs.
Identifiers: ClinVar variation 422077 (VCV000422077.2), dbSNP rs1555985864, ClinGen allele CA16621153.

ClinVar aggregate classification (germline): Likely pathogenic (1 of 4 stars; one submission).

Submission:

GeneDx
Classification: Likely pathogenic. Last evaluated: 2016-08-23. Review status: criteria provided, single submitter. Criteria: GeneDx Variant Classification (06012015). Collection method: clinical testing. Allele origin: germline. Affected: yes.
Comment: A novel c.21_39del19 variant that is likely pathogenic has been identified in the PCDH19 gene. The c.21_39del19 variant has not been published as a pathogenic variant, nor has it been reported as a benign variant to our knowledge. It was not observed in approximately 6,000 individuals of European and African American ancestry in the NHLBI Exome Sequencing Project, indicating it is not a common benign variant in these populations. The c.21_39del19 variant in the PCDH19 gene causes a frameshift starting with codon Valine 8, changes this amino acid to a Tyrosine residue and creates a premature Stop codon at position 16 of the new reading frame, denoted p.V8YfsX16. This pathogenic variant is predicted to cause loss of normal protein function either through protein truncation or nonsense-mediated mRNA decay. Therefore, this variant is likely pathogenic; however, the possibility that it is benign cannot be excluded.